The following is an entry in ClinVar:

ClinVar aggregate classification (germline): Uncertain significance (1 of 4 stars; one submission).

Submission:

Labcorp Genetics (formerly Invitae), Labcorp
Classification: Uncertain significance. Last evaluated: 2022-05-20. Review status: criteria provided, single submitter. Criteria: Invitae Variant Classification Sherloc (09022015). Collection method: clinical testing. Allele origin: germline.
Comment: This sequence change falls in intron 7 of the CDT1 gene. It does not directly change the encoded amino acid sequence of the CDT1 protein. Information on the frequency of this variant in the gnomAD database is not available, as this variant may be reported differently in the database. This variant has not been reported in the literature in individuals affected with CDT1-related conditions. Algorithms developed to predict the effect of sequence changes on RNA splicing suggest that this variant may create or strengthen a splice site. In summary, the available evidence is currently insufficient to determine the role of this variant in disease. Therefore, it has been classified as a Variant of Uncertain Significance.

NM_030928.4(CDT1):c.1123-21_1123-20delinsGT

Gene: CDT1 (chromatin licensing and DNA replication factor 1; plus strand). Cytogenetic location: 16q24.3.
Variant type: Indel.
Coding change: c.1123-21_1123-20delinsGT on transcript NM_030928.4 (MANE Select); 21 bases into the intron before coding-DNA position 1123 through 20 bases into the intron before coding-DNA position 1123, TC replaced by GT.
Molecular consequence: intron variant.
Genome position (GRCh38, 1-based): chr16:88,807,030-88,807,031, TC replaced by GT. VCF-style: chr16-88807030-TC-GT. GRCh37 (hg19) VCF-style: chr16-88873438-TC-GT.
Identifiers: ClinVar variation 1494509 (VCV001494509.3), dbSNP rs2142945443, ClinGen allele CA2573152849.